The following is an entry in ClinVar:

NM_152564.5(VPS13B):c.3565T>A (p.Ser1189Thr)

Gene: VPS13B (vacuolar protein sorting 13 homolog B; plus strand). Cytogenetic location: 8q22.2.
Variant type: single nucleotide variant.
Coding change: c.3565T>A on transcript NM_152564.5 (MANE Select); coding-DNA position 3565, T replaced by A.
Protein change: p.Ser1189Thr; replaces serine 1189 with threonine.
Molecular consequence: missense variant.
Genome position (GRCh38, 1-based): chr8:99,467,533, T>A. VCF-style: chr8-99467533-T-A. GRCh37 (hg19) VCF-style: chr8-100479761-T-A.
Other names: c.3565T>A, p.Ser1189Thr (NM_017890.5); short protein forms S1189T.
Identifiers: ClinVar variation 3720742 (VCV003720742.2).

ClinVar aggregate classification (germline): Uncertain significance (1 of 4 stars; one submission).

Conditions:
Cohen syndrome (COH1). Also called: PEPPER SYNDROME; Cutis verticis gyrata, retinitis pigmentosa, and sensorineural deafness. Identifiers: Orphanet 193, MedGen C0265223, MONDO:0008999, OMIM 216550.

gnomAD v4.1: 1 of 1,613,838 alleles (0.000062%); highest among the groups gnomAD compares: Non-Finnish European, 0.000085%; no homozygotes.

Submission:

Labcorp Genetics (formerly Invitae), Labcorp
Classification: Uncertain significance for Cohen syndrome. Last evaluated: 2024-11-13. Review status: criteria provided, single submitter. Criteria: Invitae Variant Classification Sherloc (09022015). Collection method: clinical testing. Allele origin: germline.
Comment: This sequence change replaces serine, which is neutral and polar, with threonine, which is neutral and polar, at codon 1189 of the VPS13B protein (p.Ser1189Thr). This variant is not present in population databases (gnomAD no frequency). This variant has not been reported in the literature in individuals affected with VPS13B-related conditions. Invitae Evidence Modeling of protein sequence and biophysical properties (such as structural, functional, and spatial information, amino acid conservation, physicochemical variation, residue mobility, and thermodynamic stability) has been performed for this missense variant. However, the output from this modeling did not meet the statistical confidence thresholds required to predict the impact of this variant on VPS13B protein function. In summary, the available evidence is currently insufficient to determine the role of this variant in disease. Therefore, it has been classified as a Variant of Uncertain Significance.